The following is an entry in ClinVar:

NC_000010.11:g.(?_66621682)_(66621794_?)del

Gene: CTNNA3 (catenin alpha 3; minus strand). Cytogenetic location: 10q21.3.
Variant type: Deletion.
Identifiers: ClinVar variation 658439 (VCV000658439.2).

ClinVar aggregate classification (germline): Uncertain significance (1 of 4 stars; one submission).

Conditions:
Arrhythmogenic right ventricular dysplasia 13. Also called: ARRHYTHMOGENIC RIGHT VENTRICULAR CARDIOMYOPATHY 13; Arrhythmogenic right ventricular dysplasia, familial, 13. Identifiers: MedGen C3810138, MONDO:0000908, OMIM 615616.

Submission:

Labcorp Genetics (formerly Invitae), Labcorp
Classification: Uncertain significance for Arrhythmogenic right ventricular dysplasia, familial, 13. Last evaluated: 2020-01-03. Review status: criteria provided, single submitter. Criteria: Invitae Variant Classification Sherloc (09022015). Collection method: clinical testing. Allele origin: germline.
Comment: This variant is a gross deletion of the genomic region encompassing exon 10 of the CTNNA3 gene. This is predicted to lead to an in-frame deletion, preserving the integrity of the reading frame and resulting in a protein product lacking 31 amino acids of the full protein. Similar deletions of exon 10 have been reported in the literature in individuals affected with autism, but also in unaffected family members and healthy control individuals (PMID: 25050139). Experimental studies and prediction algorithms are not available for this variant, and the functional significance of the deleted amino acids is currently unknown. In summary, the available evidence is currently insufficient to determine the role of this variant in disease. Therefore, it has been classified as a Variant of Uncertain Significance.

Literature cited by the submitters: PubMed 25050139.